The following is an entry in ClinVar:

ClinVar aggregate classification (germline): Pathogenic (1 of 4 stars; one submission).

Conditions:
PRPH2-related disorder. Also called: PRPH2-related condition; PRPH2-related disorders. Identifiers: MedGen CN239395.

Submission:

Labcorp Genetics (formerly Invitae), Labcorp
Classification: Pathogenic for PRPH2-related disorder. Last evaluated: 2023-09-17. Review status: criteria provided, single submitter. Criteria: Invitae Variant Classification Sherloc (09022015). Collection method: clinical testing. Allele origin: germline.
Comment: A gross deletion of the genomic region encompassing the full coding sequence of the PRPH2 gene has been identified. Loss-of-function variants in PRPH2 are known to be pathogenic (PMID: 8111389, 8485575, 8485576, 8675410, 16916875, 17504850, 22863181, 25675413, 26061163, 27365499, 29555955, 33546218). The boundaries of this event are unknown as they extend beyond the assayed region for this gene and therefore may encompass additional genes. This variant has not been reported in the literature in individuals affected with PRPH2-related conditions. For these reasons, this variant has been classified as Pathogenic.

Literature cited by the submitters: PubMed 8111389; PubMed 8485575; PubMed 8485576; PubMed 8675410; PubMed 16916875; PubMed 17504850; PubMed 22863181; PubMed 25675413; PubMed 26061163; PubMed 27365499; PubMed 29555955; PubMed 33546218.

NC_000006.11:g.(?_42666033)_(42690072_?)del

Gene: PRPH2 (peripherin 2; minus strand). Cytogenetic location: 6p21.1.
Variant type: Deletion.
Identifiers: ClinVar variation 1457440 (VCV001457440.5).